The following is an entry in ClinVar:

NM_001355436.2(SPTB):c.3538G>A (p.Ala1180Thr)

Gene: SPTB (spectrin beta, erythrocytic; minus strand). Cytogenetic location: 14q23.3.
Variant type: single nucleotide variant.
Coding change: c.3538G>A on transcript NM_001355436.2 (MANE Select); coding-DNA position 3538, G replaced by A.
Protein change: p.Ala1180Thr; replaces alanine 1180 with threonine.
Molecular consequence: missense variant.
Genome position (GRCh38, 1-based): chr14:64,786,427, C>T on the plus strand (G>A on the coding strand, the complement: SPTB is on the minus strand). VCF-style: chr14-64786427-C-T. GRCh37 (hg19) VCF-style: chr14-65253145-C-T.
Other names: NM_000347.5:c.3538G>A; p.Ala1180Thr; c.3538G>A, p.Ala1180Thr (NM_001024858.4, NM_001355437.2); short protein forms A1180T.
Identifiers: ClinVar variation 2512167 (VCV002512167.5), dbSNP rs143493156, ClinGen allele CA7230607.

ClinVar aggregate classification (germline): Uncertain significance. Review status: criteria provided, multiple submitters, no conflicts (2 of 4 stars). 3 submissions from 3 submitters: Uncertain significance (3). Last evaluated 2024-11-11.

Conditions:
Inborn genetic diseases. Identifiers: MedGen C0950123, MeSH D030342.

Allele frequency attached by ClinVar (database versions not stated): TOPMed 0.00020; gnomAD 0.00019; 1000 Genomes Project 30x 0.00016; ExAC 0.00008; ESP Exome Variant Server 0.00046; gnomAD exomes 0.00001; 1000 Genomes Project 0.00020.
gnomAD v4.1: 46 of 1,614,114 alleles (0.0028%); highest among the groups gnomAD compares: African/African-American, 0.056%; no homozygotes.

Submissions (3):

Mayo Clinic Laboratories, Mayo Clinic
Classification: Uncertain significance. Last evaluated: 2024-11-11. Review status: criteria provided, single submitter. Criteria: ACMG Guidelines, 2015. Collection method: clinical testing. Allele origin: germline. Observed: 2 variant alleles.
Comment: BP4

Revvity Omics, Revvity
Classification: Uncertain significance. Last evaluated: 2023-07-12. Review status: criteria provided, single submitter. Criteria: ACMG Guidelines, 2015. Collection method: clinical testing. Allele origin: germline.

Ambry Genetics
Classification: Uncertain significance for Inborn genetic diseases. Last evaluated: 2023-04-10. Review status: criteria provided, single submitter. Criteria: Ambry Variant Classification Scheme 2023. Collection method: clinical testing. Allele origin: germline.